The following is an entry in ClinVar:

NM_001199799.2(ILDR1):c.883A>G (p.Asn295Asp)

Gene: ILDR1 (immunoglobulin like domain containing receptor 1; minus strand). Cytogenetic location: 3q13.33.
Variant type: single nucleotide variant.
Coding change: c.883A>G on transcript NM_001199799.2 (MANE Select); coding-DNA position 883, A replaced by G.
Protein change: p.Asn295Asp; replaces asparagine 295 with aspartic acid.
Molecular consequence: missense variant.
Genome position (GRCh38, 1-based): chr3:121,993,866, T>C on the plus strand (A>G on the coding strand, the complement: ILDR1 is on the minus strand). VCF-style: chr3-121993866-T-C. GRCh37 (hg19) VCF-style: chr3-121712713-T-C.
Other names: c.616A>G, p.Asn206Asp (NM_001199800.2); c.751A>G, p.Asn251Asp (NM_175924.4); short protein forms N251D, N206D, N295D.
Identifiers: ClinVar variation 1507163 (VCV001507163.6), dbSNP rs2107644765, ClinGen allele CA354144353.

ClinVar aggregate classification (germline): Uncertain significance (1 of 4 stars; one submission).

Submission:

Labcorp Genetics (formerly Invitae), Labcorp
Classification: Uncertain significance. Last evaluated: 2022-05-27. Review status: criteria provided, single submitter. Criteria: Invitae Variant Classification Sherloc (09022015). Collection method: clinical testing. Allele origin: germline.
Comment: This sequence change replaces asparagine, which is neutral and polar, with aspartic acid, which is acidic and polar, at codon 295 of the ILDR1 protein (p.Asn295Asp). This variant is not present in population databases (gnomAD no frequency). This variant has not been reported in the literature in individuals affected with ILDR1-related conditions. Algorithms developed to predict the effect of missense changes on protein structure and function are either unavailable or do not agree on the potential impact of this missense change (SIFT: "Tolerated"; PolyPhen-2: "Probably Damaging"; Align-GVGD: "Class C0"). In summary, the available evidence is currently insufficient to determine the role of this variant in disease. Therefore, it has been classified as a Variant of Uncertain Significance.